The following is an entry in ClinVar:

ClinVar aggregate classification (germline): Uncertain significance. Review status: criteria provided, multiple submitters, no conflicts (2 of 4 stars). 2 submissions from 2 submitters: Uncertain significance (2). Last evaluated 2025-04-28.

Conditions:
Inborn genetic diseases. Identifiers: MedGen C0950123, MeSH D030342.

Allele frequency attached by ClinVar (database versions not stated): gnomAD exomes 0.00001; ExAC 0.00002; gnomAD 0.00002; TOPMed 0.00003; ESP Exome Variant Server 0.00008.
gnomAD v4.1: 18 of 1,614,060 alleles (0.0011%); highest among the groups gnomAD compares: African/African-American, 0.008%; no homozygotes.

Submissions (2):

Ambry Genetics
Classification: Uncertain significance for Inborn genetic diseases. Last evaluated: 2025-04-28. Review status: criteria provided, single submitter. Criteria: Ambry Variant Classification Scheme 2023. Collection method: clinical testing. Allele origin: germline.

Labcorp Genetics (formerly Invitae), Labcorp
Classification: Uncertain significance. Last evaluated: 2024-12-28. Review status: criteria provided, single submitter. Criteria: Invitae Variant Classification Sherloc (09022015). Collection method: clinical testing. Allele origin: germline.
Comment: This sequence change replaces valine, which is neutral and non-polar, with alanine, which is neutral and non-polar, at codon 2109 of the SZT2 protein (p.Val2109Ala). This variant is present in population databases (rs375208664, gnomAD 0.003%). This variant has not been reported in the literature in individuals affected with SZT2-related conditions. ClinVar contains an entry for this variant (Variation ID: 2151267). Invitae Evidence Modeling of protein sequence and biophysical properties (such as structural, functional, and spatial information, amino acid conservation, physicochemical variation, residue mobility, and thermodynamic stability) indicates that this missense variant is expected to disrupt SZT2 protein function with a positive predictive value of 80%. In summary, the available evidence is currently insufficient to determine the role of this variant in disease. Therefore, it has been classified as a Variant of Uncertain Significance.

NM_001365999.1(SZT2):c.6497T>C (p.Val2166Ala)

Gene: SZT2 (SZT2 subunit of KICSTOR complex; plus strand). Cytogenetic location: 1p34.2.
Variant type: single nucleotide variant.
Coding change: c.6497T>C on transcript NM_001365999.1 (MANE Select); coding-DNA position 6497, T replaced by C.
Protein change: p.Val2166Ala; replaces valine 2166 with alanine.
Molecular consequence: missense variant.
Genome position (GRCh38, 1-based): chr1:43,437,891, T>C. VCF-style: chr1-43437891-T-C. GRCh37 (hg19) VCF-style: chr1-43903562-T-C.
Other names: c.6326T>C, p.Val2109Ala (NM_015284.4); c.6326T>C (NM_015284.3); short protein forms V2109A, V2166A.
Identifiers: ClinVar variation 2151267 (VCV002151267.4), dbSNP rs375208664, ClinGen allele CA809903.